The following is an entry in ClinVar:

ClinVar aggregate classification (germline): Uncertain significance (1 of 4 stars; one submission).

Conditions:
Inborn genetic diseases. Identifiers: MedGen C0950123, MeSH D030342.

gnomAD v4.1: 2 of 1,613,668 alleles (0.00012%); highest among the groups gnomAD compares: Admixed American, 0.0017%; no homozygotes.

Submission:

Ambry Genetics
Classification: Uncertain significance for Inborn genetic diseases. Last evaluated: 2025-11-02. Review status: criteria provided, single submitter. Criteria: Ambry Variant Classification Scheme 2023. Collection method: clinical testing. Allele origin: germline.
Comment: The p.H41R variant (also known as c.122A>G), located in coding exon 1 of the ANKRD26 gene, results from an A to G substitution at nucleotide position 122. The histidine at codon 41 is replaced by arginine, an amino acid with highly similar properties. This amino acid position is conserved. In addition, this alteration is predicted to be tolerated by in silico analysis. Based on the available evidence, the clinical significance of this variant remains unclear.

NM_014915.3(ANKRD26):c.122A>G (p.His41Arg)

Genes: ANKRD26 (ankyrin repeat domain 26; minus strand), LOC130003554 (ATAC-STARR-seq lymphoblastoid silent region 2243; plus strand). Cytogenetic location: 10p12.1.
Variant type: single nucleotide variant.
Coding change: c.122A>G on transcript NM_014915.3 (MANE Select); coding-DNA position 122, A replaced by G.
Protein change: p.His41Arg; replaces histidine 41 with arginine.
Molecular consequence: missense variant.
Genome position (GRCh38, 1-based): chr10:27,100,205, T>C on the plus strand (A>G on the coding strand, the complement: ANKRD26 is on the minus strand). VCF-style: chr10-27100205-T-C. GRCh37 (hg19) VCF-style: chr10-27389134-T-C.
Other names: c.122A>G, p.His41Arg (NM_001256053.2); short protein forms H41R.
Identifiers: ClinVar variation 4579774 (VCV004579774.1).